The following is an entry in ClinVar:

NM_001365088.1(SLC12A6):c.964G>A (p.Gly322Ser)

Gene: SLC12A6 (solute carrier family 12 member 6; minus strand). Cytogenetic location: 15q14.
Variant type: single nucleotide variant.
Coding change: c.964G>A on transcript NM_001365088.1 (MANE Select); coding-DNA position 964, G replaced by A.
Protein change: p.Gly322Ser; replaces glycine 322 with serine.
Molecular consequence: missense variant.
Genome position (GRCh38, 1-based): chr15:34,254,502, C>T on the plus strand (G>A on the coding strand, the complement: SLC12A6 is on the minus strand). VCF-style: chr15-34254502-C-T. GRCh37 (hg19) VCF-style: chr15-34546703-C-T.
Other names: p.Gly322Ser; c.787G>A, p.Gly263Ser (NM_001042494.2, NM_001042495.2); c.937G>A, p.Gly313Ser (NM_001042496.2); c.919G>A, p.Gly307Ser (NM_001042497.2); c.811G>A, p.Gly271Ser (NM_005135.2); c.964G>A, p.Gly322Ser (NM_133647.2); short protein forms G322S, G271S, G313S, G307S, G263S.
Identifiers: ClinVar variation 315620 (VCV000315620.18), dbSNP rs75235010, ClinGen allele CA7464432.

ClinVar aggregate classification (germline): Conflicting classifications of pathogenicity. Review status: criteria provided, conflicting classifications (1 of 4 stars). 5 submissions from 5 submitters: Uncertain significance (2); Likely benign (3). Last evaluated 2026-01-24.

Conditions:
Inborn genetic diseases. Identifiers: MedGen C0950123, MeSH D030342.
Agenesis of the corpus callosum with peripheral neuropathy (ACCPN). Also called: CHARLEVOIX DISEASE; POLYNEUROPATHY, SENSORIMOTOR, WITH OR WITHOUT AGENESIS OF THE CORPUS CALLOSUM; HMSN/ACC; Hereditary Motor and Sensory Neuropathy with Agenesis of the Corpus Callosum. Identifiers: Orphanet 1496, MedGen C0795950, MONDO:0000902, OMIM 218000. Disease mechanism: loss of function.

Allele frequency attached by ClinVar (database versions not stated): gnomAD 0.00001 and 0.00005; TOPMed 0.00002; gnomAD exomes 0.00017 and 0.00019; ExAC 0.00020; 1000 Genomes Project 30x 0.00062; 1000 Genomes Project 0.00080.
gnomAD v4.1: 241 of 1,613,374 alleles (0.015%); highest among the groups gnomAD compares: East Asian, 0.48%; 1 homozygote.

Submissions (5):

Labcorp Genetics (formerly Invitae), Labcorp
Classification: Likely benign. Last evaluated: 2026-01-24. Review status: criteria provided, single submitter. Criteria: Invitae Variant Classification Sherloc (09022015). Collection method: clinical testing. Allele origin: germline.

Ambry Genetics
Classification: Likely benign for Inborn genetic diseases. Last evaluated: 2025-08-28. Review status: criteria provided, single submitter. Criteria: Ambry Variant Classification Scheme 2023. Collection method: clinical testing. Allele origin: germline.

Mayo Clinic Laboratories, Mayo Clinic
Classification: Uncertain significance. Last evaluated: 2023-07-05. Review status: criteria provided, single submitter. Criteria: ACMG Guidelines, 2015. Collection method: clinical testing. Allele origin: germline. Observed: 1 variant allele.
Comment: BS1, PP3

Genome-Nilou Lab
Classification: Likely benign for Agenesis of the corpus callosum with peripheral neuropathy. Last evaluated: 2021-07-15. Review status: criteria provided, single submitter. Criteria: ACMG Guidelines, 2015. Collection method: clinical testing. Allele origin: germline. Affected: no.

Illumina Laboratory Services, Illumina
Classification: Uncertain significance for Agenesis of the corpus callosum with peripheral neuropathy. Last evaluated: 2018-01-13. Review status: criteria provided, single submitter. Criteria: ICSL Variant Classification Criteria 13 December 2019. Collection method: clinical testing. Allele origin: germline.